The following is an entry in ClinVar:

NM_004612.4(TGFBR1):c.230T>G (p.Leu77Ter)

Gene: TGFBR1 (transforming growth factor beta receptor 1; plus strand). Cytogenetic location: 9q22.33.
Variant type: single nucleotide variant.
Coding change: c.230T>G on transcript NM_004612.4 (MANE Select); coding-DNA position 230, T replaced by G.
Protein change: p.Leu77Ter; replaces leucine 77 with a stop codon.
Molecular consequence: nonsense.
Genome position (GRCh38, 1-based): chr9:99,128,987, T>G. VCF-style: chr9-99128987-T-G. GRCh37 (hg19) VCF-style: chr9-101891269-T-G.
Other names: c.230T>G, p.Leu77Ter (NM_001130916.3, NM_001306210.2); short protein forms L77*.
Identifiers: ClinVar variation 520223 (VCV000520223.5), dbSNP rs1554698926, ClinGen allele CA374225763.

ClinVar aggregate classification (germline): Pathogenic (1 of 4 stars; one submission).

Conditions:
Familial thoracic aortic aneurysm and aortic dissection (TAAD). Also called: Thoracic aortic aneurysms and dissections. Identifiers: Orphanet 91387, MedGen C4707243, MONDO:0019625.

Submission:

Ambry Genetics
Classification: Pathogenic for Familial thoracic aortic aneurysm and aortic dissection. Last evaluated: 2022-10-04. Review status: criteria provided, single submitter. Criteria: Ambry Variant Classification Scheme 2023. Collection method: clinical testing. Allele origin: germline.
Comment: The p.L77* pathogenic mutation (also known as c.230T>G), located in coding exon 2 of the TGFBR1 gene, results from a T to G substitution at nucleotide position 230. This changes the amino acid from a leucine to a stop codon within coding exon 2. This alteration is expected to result in loss of function by premature protein truncation or nonsense-mediated mRNA decay. This variant is considered to be rare based on population cohorts in the Genome Aggregation Database (gnomAD). Based on the supporting evidence, this variant is pathogenic for an increased risk of multiple self-healing squamous epithelioma (MSSE); however, the association of this variant with TGFBR1-related Loeys-Dietz syndrome is unknown.